The following is an entry in ClinVar:

NM_032444.4(SLX4):c.1283C>T (p.Ser428Phe)

Gene: SLX4 (SLX4 structure-specific endonuclease subunit; minus strand). Cytogenetic location: 16p13.3.
Variant type: single nucleotide variant.
Coding change: c.1283C>T on transcript NM_032444.4 (MANE Select); coding-DNA position 1283, C replaced by T.
Protein change: p.Ser428Phe; replaces serine 428 with phenylalanine.
Molecular consequence: missense variant.
Genome position (GRCh38, 1-based): chr16:3,597,880, G>A on the plus strand (C>T on the coding strand, the complement: SLX4 is on the minus strand). VCF-style: chr16-3597880-G-A. GRCh37 (hg19) VCF-style: chr16-3647881-G-A.
Other names: short protein forms S428F.
Identifiers: ClinVar variation 2724655 (VCV002724655.3), dbSNP rs778174591, ClinGen allele CA7866569.

ClinVar aggregate classification (germline): Uncertain significance (1 of 4 stars; one submission).

Conditions:
Fanconi anemia (FA). Also called: Fanconi's anemia. Identifiers: Orphanet 84, MedGen C0015625, MeSH D005199, MONDO:0019391.

Allele frequency attached by ClinVar (database versions not stated): ExAC 0.00001.

Submission:

Labcorp Genetics (formerly Invitae), Labcorp
Classification: Uncertain significance for Fanconi anemia. Last evaluated: 2023-06-20. Review status: criteria provided, single submitter. Criteria: Invitae Variant Classification Sherloc (09022015). Collection method: clinical testing. Allele origin: germline.
Comment: In summary, the available evidence is currently insufficient to determine the role of this variant in disease. Therefore, it has been classified as a Variant of Uncertain Significance. An algorithm developed to predict the effect of missense changes on protein structure and function (PolyPhen-2) suggests that this variant is likely to be disruptive. This variant has not been reported in the literature in individuals affected with SLX4-related conditions. This variant is present in population databases (rs778174591, gnomAD 0.003%). This sequence change replaces serine, which is neutral and polar, with phenylalanine, which is neutral and non-polar, at codon 428 of the SLX4 protein (p.Ser428Phe).